The following is an entry in ClinVar:

NM_001291867.2(NHS):c.2313G>T (p.Ala771=)

Gene: NHS (NHS actin remodeling regulator; plus strand). Cytogenetic location: Xp22.13.
Variant type: single nucleotide variant.
Coding change: c.2313G>T on transcript NM_001291867.2 (MANE Select); coding-DNA position 2313, G replaced by T.
Protein change: p.Ala771=; no amino-acid change (alanine 771 retained).
Molecular consequence: synonymous variant.
Genome position (GRCh38, 1-based): chrX:17,726,419, G>T. VCF-style: chrX-17726419-G-T. GRCh37 (hg19) VCF-style: chrX-17744539-G-T.
Other names: c.1782G>T, p.Ala594= (NM_001136024.4); c.1719G>T, p.Ala573= (NM_001291868.2); c.1974G>T, p.Ala658= (NM_001440780.1); c.2250G>T, p.Ala750= (NM_198270.4).
Identifiers: ClinVar variation 4980195 (VCV004980195.1).

ClinVar aggregate classification (germline): Likely benign (1 of 4 stars; one submission).

Conditions:
NHS-related disorder. Also called: NHS-related condition.

Submission:

PreventionGenetics, part of Exact Sciences
Classification: Likely benign for NHS-related condition. Last evaluated: 2026-04-10. Review status: criteria provided, single submitter. Criteria: ACMG Guidelines, 2015. Collection method: clinical testing. Allele origin: germline.
Comment: This variant is classified as likely benign based on ACMG/AMP sequence variant interpretation guidelines (Richards et al. 2015 PMID: 25741868, with internal and published modifications).